The following is an entry in ClinVar:

ClinVar aggregate classification (germline): Conflicting classifications of pathogenicity. Review status: criteria provided, conflicting classifications (1 of 4 stars). 2 submissions from 2 submitters: Uncertain significance (1); Likely benign (1). Last evaluated 2026-04-16.

Conditions:
Familial hypercholesterolemia. Also called: Familial hypercholesterolemias; Familial hypercholesterolaemia. Identifiers: MedGen C0020445, MONDO:0005439.
Hypercholesterolemia, familial, 4 (FHCL4). Also called: HYPERCHOLESTEROLEMIA, AUTOSOMAL RECESSIVE, 1; HYPERCHOLESTEROLEMIA, AUTOSOMAL RECESSIVE, 2. Identifiers: Orphanet 391665, MedGen C1863512, MONDO:0011374, OMIM 603813.

Allele frequency attached by ClinVar (database versions not stated): gnomAD exomes 0.00002.
gnomAD v4.1: 38 of 1,613,978 alleles (0.0024%); highest among the groups gnomAD compares: Non-Finnish European, 0.0031%; no homozygotes.

Submissions (3):

Cambridge Genomics Laboratory, East Genomic Laboratory Hub, NHS Genomic Medicine Service
Classification: Uncertain significance for Familial hypercholesterolaemia. Last evaluated: 2026-04-16. Review status: criteria provided, single submitter. Criteria: ACGS Best Practice Guidelines for Variant Classification in Rare Disease 2020. Collection method: clinical testing. Allele origin: germline. Affected: yes.
Comment: PM2,PP4

Labcorp Genetics (formerly Invitae), Labcorp
Classification: Likely benign for Hypercholesterolemia, familial, 4. Last evaluated: 2024-06-03. Review status: criteria provided, single submitter. Criteria: Invitae Variant Classification Sherloc (09022015). Collection method: clinical testing. Allele origin: germline.

Dr. Peter K. Rogan Lab, Western University
No classification provided (evidence only). Condition: Ovarian serous cystadenocarcinoma. Review status: no classification provided. Collection method: in vitro. Allele origin: not applicable. Functional consequence: retained intron. Not counted in ClinVar's aggregate classification.

NM_015627.3(LDLRAP1):c.748-7C>G

Gene: LDLRAP1 (low density lipoprotein receptor adaptor protein 1; plus strand). Cytogenetic location: 1p36.11.
Variant type: single nucleotide variant.
Coding change: c.748-7C>G on transcript NM_015627.3 (MANE Select); 7 bases into the intron before coding-DNA position 748, C replaced by G.
Molecular consequence: intron variant.
Genome position (GRCh38, 1-based): chr1:25,565,166, C>G. VCF-style: chr1-25565166-C-G. GRCh37 (hg19) VCF-style: chr1-25891657-C-G.
Identifiers: ClinVar variation 2057804 (VCV002057804.6), dbSNP rs760539139, ClinGen allele CA695726.